The following is an entry in ClinVar:

ClinVar aggregate classification (germline): Pathogenic (1 of 4 stars; one submission).

Conditions:
EGFR-related lung cancer (EGFR). Identifiers: MedGen CN130014.

Submission:

Labcorp Genetics (formerly Invitae), Labcorp
Classification: Pathogenic for EGFR-related lung cancer. Last evaluated: 2025-04-29. Review status: criteria provided, single submitter. Criteria: Invitae Variant Classification Sherloc (09022015). Collection method: clinical testing. Allele origin: germline.
Comment: This sequence change creates a premature translational stop signal (p.Glu634Lysfs*71) in the EGFR gene. It is expected to result in an absent or disrupted protein product. Loss-of-function variants in EGFR are known to be pathogenic (PMID: 7630400, 28726809, 29899996). This variant is not present in population databases (gnomAD no frequency). This variant has not been reported in the literature in individuals affected with EGFR-related conditions. For these reasons, this variant has been classified as Pathogenic.

Literature cited by the submitters: PubMed 7630400; PubMed 28726809; PubMed 29899996.

NM_005228.5(EGFR):c.1896del (p.Glu634fs)

Gene: EGFR (epidermal growth factor receptor; plus strand). Cytogenetic location: 7p11.2.
Variant type: Deletion.
Coding change: c.1896del on transcript NM_005228.5 (MANE Select); coding-DNA position 1896, one base deleted (T; older notation c.1896delT).
Protein change: p.Glu634fs; shifts the reading frame from glutamic acid 634.
Molecular consequence: frameshift variant.
Genome position (GRCh38, 1-based): chr7:55,171,190, T deleted. VCF-style (leftmost placement, unchanged base first): chr7-55171189-GT-G. GRCh37 (hg19) VCF-style: chr7-55238882-GT-G.
Other names: c.1761del, p.Glu589fs (NM_001346897.2, NM_001346899.2); c.1896del, p.Glu634fs (NM_001346898.2); c.1737del, p.Glu581fs (NM_001346900.2); c.1095del, p.Glu367fs (NM_001346941.2); short protein forms E589fs, E367fs, E581fs, E634fs.
Identifiers: ClinVar variation 4718564 (VCV004718564.1).
Genomic context (GRCh38, chr7:55,171,189, plus strand): 5'-AGAAGTAGAATGAGAAAAATGTATATTTCTCTTTCACTTCCTACAGATGCACTGGGCCAG[GT>G]CTTGAAGGCTGTCCAACGAATGGGTAAGTGTTCACAGCTCTGTGTCACATGGACCTCGTC-3'